The following is an entry in ClinVar:

NM_002971.6(SATB1):c.507G>T (p.Gln169His)

Gene: SATB1 (SATB homeobox 1; minus strand). Cytogenetic location: 3p24.3.
Variant type: single nucleotide variant.
Coding change: c.507G>T on transcript NM_002971.6 (MANE Select); coding-DNA position 507, G replaced by T.
Protein change: p.Gln169His; replaces glutamine 169 with histidine.
Molecular consequence: missense variant.
Genome position (GRCh38, 1-based): chr3:18,416,015, C>A on the plus strand (G>T on the coding strand, the complement: SATB1 is on the minus strand). VCF-style: chr3-18416015-C-A. GRCh37 (hg19) VCF-style: chr3-18457507-C-A.
Other names: c.507G>T, p.Gln169His (NM_001131010.4, NM_001195470.3, NM_001322871.2 and 4 more transcripts); c.291G>T, p.Gln97His (NM_001322876.2); short protein forms Q169H, Q97H.
Identifiers: ClinVar variation 3363322 (VCV003363322.1).

ClinVar aggregate classification (germline): Uncertain significance (1 of 4 stars; one submission).

Submission:

GeneDx
Classification: Uncertain significance. Last evaluated: 2023-10-19. Review status: criteria provided, single submitter. Criteria: GeneDx Variant Classification Process June 2021. Collection method: clinical testing. Allele origin: germline. Affected: yes.
Comment: Not observed at significant frequency in large population cohorts (gnomAD); In silico analysis supports that this missense variant has a deleterious effect on protein structure/function; Has not been previously published as pathogenic or benign to our knowledge